The following is an entry in ClinVar:

NM_001379659.1(ZNF142):c.3638C>T (p.Thr1213Ile)

Gene: ZNF142 (zinc finger protein 142; minus strand). Cytogenetic location: 2q35.
Variant type: single nucleotide variant.
Coding change: c.3638C>T on transcript NM_001379659.1 (MANE Select); coding-DNA position 3638, C replaced by T.
Protein change: p.Thr1213Ile; replaces threonine 1213 with isoleucine.
Molecular consequence: missense variant.
Genome position (GRCh38, 1-based): chr2:218,643,478, G>A on the plus strand (C>T on the coding strand, the complement: ZNF142 is on the minus strand). VCF-style: chr2-218643478-G-A. GRCh37 (hg19) VCF-style: chr2-219508201-G-A.
Other names: c.3038C>T, p.Thr1013Ile (NM_001366291.3, NM_001379662.1, NM_001105537.5); c.3638C>T, p.Thr1213Ile (NM_001379660.1, NM_001379661.1, NM_001366290.3); c.2549C>T, p.Thr850Ile (NM_001366287.3, NM_001366288.3, NM_001366289.3); short protein forms T1013I, T1213I, T850I.
Identifiers: ClinVar variation 2651889 (VCV002651889.24), dbSNP rs1404251386, ClinGen allele CA350588881.

ClinVar aggregate classification (germline): Uncertain significance (1 of 4 stars; one submission).

Allele frequency attached by ClinVar (database versions not stated): TOPMed below 0.00001; gnomAD 0.00001.

Submission:

CeGaT Center for Human Genetics Tuebingen
Classification: Uncertain significance. Last evaluated: 2022-10-01. Review status: criteria provided, single submitter. Criteria: CeGaT Center For Human Genetics Tuebingen Variant Classification Criteria Version 2. Collection method: clinical testing. Allele origin: germline. Affected: yes. Observed: 1 variant allele.
Comment: ZNF142: PM2, BP4